The following is an entry in ClinVar:

NM_000083.3(CLCN1):c.1873_1882delinsG (p.Leu625_Leu628delinsVal)

Gene: CLCN1 (chloride voltage-gated channel 1; plus strand). Cytogenetic location: 7q34.
Variant type: Indel.
Coding change: c.1873_1882delinsG on transcript NM_000083.3 (MANE Select); coding-DNA positions 1873 to 1882, TTGCGAACCC replaced by G.
Protein change: p.Leu625_Leu628delinsVal.
Molecular consequence: inframe indel. On other transcripts: non-coding transcript variant (1).
Genome position (GRCh38, 1-based): chr7:143,342,448-143,342,457, TTGCGAACCC replaced by G. VCF-style: chr7-143342448-TTGCGAACCC-G. GRCh37 (hg19) VCF-style: chr7-143039541-TTGCGAACCC-G.
Identifiers: ClinVar variation 1807092 (VCV001807092.6), dbSNP rs2487091697, ClinGen allele CA2580077628.

ClinVar aggregate classification (germline): Uncertain significance. Review status: criteria provided, multiple submitters, no conflicts (2 of 4 stars). 2 submissions from 2 submitters: Uncertain significance (2). Last evaluated 2022-04-13.

Conditions:
Congenital myotonia, autosomal recessive form. Also called: BECKER DISEASE; Becker Generalized Myotonia; myotonia congenita, autosomal recessive. Identifiers: Orphanet 614, MedGen C0751360, MONDO:0009715, OMIM 255700.
Congenital myotonia, autosomal dominant form (THD). Also called: THOMSEN DISEASE; Myotonia congenita autosomal dominant. Identifiers: Orphanet 614, MedGen C2936781, MONDO:0008055, OMIM 160800.

Submissions (2):

Athena Diagnostics
Classification: Uncertain significance. Last evaluated: 2022-04-13. Review status: criteria provided, single submitter. Criteria: Athena Diagnostics Criteria. Collection method: clinical testing. Allele origin: unknown.

Labcorp Genetics (formerly Invitae), Labcorp
Classification: Uncertain significance for Congenital myotonia, autosomal recessive form; Congenital myotonia, autosomal dominant form. Last evaluated: 2022-01-18. Review status: criteria provided, single submitter. Criteria: Invitae Variant Classification Sherloc (09022015). Collection method: clinical testing. Allele origin: germline.
Comment: This variant, c.1873_1882delinsG, is a complex sequence change that results in the deletion of 4 and insertion of 1 amino acid(s) in the CLCN1 protein (p.Leu625_Leu628delinsVal). This variant is not present in population databases (gnomAD no frequency). This variant has not been reported in the literature in individuals affected with CLCN1-related conditions. Advanced modeling of protein sequence and biophysical properties (such as structural, functional, and spatial information, amino acid conservation, physicochemical variation, residue mobility, and thermodynamic stability) performed at Invitae indicates that this missense variant is not expected to disrupt CLCN1 protein function. This variant disrupts a region of the CLCN1 protein in which other variant(s) (p.Leu628Pro) have been observed in individuals with CLCN1-related conditions (PMID: 26096614). This suggests that this is a clinically significant region of the protein, and that variants that disrupt it are likely to be disease-causing. In summary, the available evidence is currently insufficient to determine the role of this variant in disease. Therefore, it has been classified as a Variant of Uncertain Significance.

Literature cited by the submitters: PubMed 26096614 (cited by Labcorp Genetics (formerly Invitae), Labcorp).